The following is an entry in ClinVar:

ClinVar aggregate classification (germline): Likely benign. Review status: criteria provided, multiple submitters, no conflicts (2 of 4 stars). 3 submissions from 3 submitters: Likely benign (3). Last evaluated 2025-12-07.

Conditions:
Pyruvate dehydrogenase E1-beta deficiency (PDHBD). Identifiers: Orphanet 255138, Orphanet 765, MedGen C3279841, MONDO:0013580, OMIM 614111.

Allele frequency attached by ClinVar (database versions not stated): 1000 Genomes Project 30x 0.00016; gnomAD exomes 0.00018 and 0.00021; 1000 Genomes Project 0.00020; ESP Exome Variant Server 0.00023; gnomAD 0.00025; ExAC 0.00026; TOPMed 0.00031.

Submissions (3):

Labcorp Genetics (formerly Invitae), Labcorp
Classification: Likely benign for Pyruvate dehydrogenase E1-beta deficiency. Last evaluated: 2025-12-07. Review status: criteria provided, single submitter. Criteria: Invitae Variant Classification Sherloc (09022015). Collection method: clinical testing. Allele origin: germline.

Blueprint Genetics
Classification: Likely benign. Last evaluated: 2024-11-04. Review status: criteria provided, single submitter. Criteria: ACMG Guidelines, 2015. Collection method: clinical testing. Allele origin: germline.

GeneDx
Classification: Likely benign. Last evaluated: 2017-12-18. Review status: criteria provided, single submitter. Criteria: GeneDx Variant Classification (06012015). Collection method: clinical testing. Allele origin: germline. Affected: yes.
Comment: This variant is considered likely benign or benign based on one or more of the following criteria: it is a conservative change, it occurs at a poorly conserved position in the protein, it is predicted to be benign by multiple in silico algorithms, and/or has population frequency not consistent with disease.

NM_000925.4(PDHB):c.564A>G (p.Lys188=)

Gene: PDHB (pyruvate dehydrogenase E1 subunit beta; minus strand). Cytogenetic location: 3p14.3.
Variant type: single nucleotide variant.
Coding change: c.564A>G on transcript NM_000925.4 (MANE Select); coding-DNA position 564, A replaced by G.
Protein change: p.Lys188=; no amino-acid change (lysine 188 retained).
Molecular consequence: synonymous variant. On other transcripts: non-coding transcript variant (1).
Genome position (GRCh38, 1-based): chr3:58,430,682, T>C on the plus strand (A>G on the coding strand, the complement: PDHB is on the minus strand). VCF-style: chr3-58430682-T-C. GRCh37 (hg19) VCF-style: chr3-58416409-T-C.
Other names: c.510A>G, p.Lys170= (NM_001173468.2, NM_001315536.2).
Identifiers: ClinVar variation 513596 (VCV000513596.12), dbSNP rs146996786, ClinGen allele CA2471540.